The following is an entry in ClinVar:

NM_152327.5(AK7):c.2075T>G (p.Leu692Arg)

Gene: AK7 (adenylate kinase 7; plus strand). Cytogenetic location: 14q32.2.
Variant type: single nucleotide variant.
Coding change: c.2075T>G on transcript NM_152327.5 (MANE Select); coding-DNA position 2075, T replaced by G.
Protein change: p.Leu692Arg; replaces leucine 692 with arginine.
Molecular consequence: missense variant.
Genome position (GRCh38, 1-based): chr14:96,486,998, T>G. VCF-style: chr14-96486998-T-G. GRCh37 (hg19) VCF-style: chr14-96953335-T-G.
Other names: c.2006T>G, p.Leu669Arg (NM_001350888.2, NM_001350890.2); c.1997T>G, p.Leu666Arg (NM_001350891.2); c.1877T>G, p.Leu626Arg (NM_001350892.2); c.2075T>G (NM_152327.2); short protein forms L692R, L666R, L669R, L626R.
Identifiers: ClinVar variation 2182422 (VCV002182422.5), dbSNP rs147069032, ClinGen allele CA7338049.

ClinVar aggregate classification (germline): Uncertain significance. Review status: criteria provided, multiple submitters, no conflicts (2 of 4 stars). 2 submissions from 2 submitters: Uncertain significance (2). Last evaluated 2025-10-02.

Allele frequency attached by ClinVar (database versions not stated): ExAC 0.00001; gnomAD 0.00001; TOPMed 0.00003; ESP Exome Variant Server 0.00008.
gnomAD v4.1: 2 of 1,614,060 alleles (0.00012%); highest among the groups gnomAD compares: African/African-American, 0.0027%; no homozygotes.

Submissions (2):

Ambry Genetics
Classification: Uncertain significance. Last evaluated: 2025-10-02. Review status: criteria provided, single submitter. Criteria: Ambry Variant Classification Scheme 2023. Collection method: clinical testing. Allele origin: germline.

Labcorp Genetics (formerly Invitae), Labcorp
Classification: Uncertain significance. Last evaluated: 2022-07-27. Review status: criteria provided, single submitter. Criteria: Invitae Variant Classification Sherloc (09022015). Collection method: clinical testing. Allele origin: germline.
Comment: In summary, the available evidence is currently insufficient to determine the role of this variant in disease. Therefore, it has been classified as a Variant of Uncertain Significance. This sequence change replaces leucine, which is neutral and non-polar, with arginine, which is basic and polar, at codon 692 of the AK7 protein (p.Leu692Arg). This variant is present in population databases (rs147069032, gnomAD 0.007%). This variant has not been reported in the literature in individuals affected with AK7-related conditions. Algorithms developed to predict the effect of missense changes on protein structure and function (SIFT, PolyPhen-2, Align-GVGD) all suggest that this variant is likely to be disruptive.